The following is an entry in ClinVar:

NM_001080476.3(GRXCR1):c.451A>G (p.Thr151Ala)

Gene: GRXCR1 (glutaredoxin and cysteine rich domain containing 1; plus strand). Cytogenetic location: 4p13.
Variant type: single nucleotide variant.
Coding change: c.451A>G on transcript NM_001080476.3 (MANE Select); coding-DNA position 451, A replaced by G.
Protein change: p.Thr151Ala; replaces threonine 151 with alanine.
Molecular consequence: missense variant.
Genome position (GRCh38, 1-based): chr4:42,962,958, A>G. VCF-style: chr4-42962958-A-G. GRCh37 (hg19) VCF-style: chr4-42964975-A-G.
Other names: short protein forms T151A.
Identifiers: ClinVar variation 2189488 (VCV002189488.4), dbSNP rs758265797, ClinGen allele CA2904408.

ClinVar aggregate classification (germline): Uncertain significance (1 of 4 stars; one submission).

Allele frequency attached by ClinVar (database versions not stated): gnomAD exomes below 0.00001; ExAC 0.00001; gnomAD 0.00001; TOPMed 0.00001.
gnomAD v4.1: 8 of 1,612,772 alleles (0.0005%); highest among the groups gnomAD compares: Non-Finnish European, 0.00068%; no homozygotes.

Submission:

Labcorp Genetics (formerly Invitae), Labcorp
Classification: Uncertain significance. Last evaluated: 2025-05-05. Review status: criteria provided, single submitter. Criteria: Invitae Variant Classification Sherloc (09022015). Collection method: clinical testing. Allele origin: germline.
Comment: This sequence change replaces threonine, which is neutral and polar, with alanine, which is neutral and non-polar, at codon 151 of the GRXCR1 protein (p.Thr151Ala). This variant is present in population databases (rs758265797, gnomAD 0.0009%). This variant has not been reported in the literature in individuals affected with GRXCR1-related conditions. ClinVar contains an entry for this variant (Variation ID: 2189488). Invitae Evidence Modeling of protein sequence and biophysical properties (such as structural, functional, and spatial information, amino acid conservation, physicochemical variation, residue mobility, and thermodynamic stability) indicates that this missense variant is not expected to disrupt GRXCR1 protein function with a negative predictive value of 80%. In summary, the available evidence is currently insufficient to determine the role of this variant in disease. Therefore, it has been classified as a Variant of Uncertain Significance.